The following is an entry in ClinVar:

ClinVar aggregate classification (germline): Uncertain significance. Review status: criteria provided, multiple submitters, no conflicts (2 of 4 stars). 3 submissions from 3 submitters: Uncertain significance (3). Last evaluated 2026-02-25.

Conditions:
Lethal Kniest-like syndrome (DDSH). Also called: Dyssegmental Dysplasia. Identifiers: Orphanet 1865, MedGen C1857100, MONDO:0009140, OMIM 224410.

Allele frequency attached by ClinVar (database versions not stated): gnomAD 0.00001; gnomAD exomes 0.00001; TOPMed 0.00001; ExAC 0.00002.
gnomAD v4.1: 7 of 1,383,676 alleles (0.00051%); highest among the groups gnomAD compares: East Asian, 0.0085%; no homozygotes.

Submissions (3):

Dasa
Classification: Uncertain significance. Last evaluated: 2026-02-25. Review status: criteria provided, single submitter. Criteria: DASA Assertion Criteria. Collection method: clinical testing. Allele origin: germline.
Comment: NM_005529.7(HSPG2):c.12427G>A (p.Glu4143Lys) is a missense variant that results in the substitution of glutamic acid with lysine. This variant is rare in population databases. The currently available literature and clinical evidence are not sufficient to establish a definitive association between this variant and the reported condition. Therefore, this variant is classified as a variant of uncertain significance.

Labcorp Genetics (formerly Invitae), Labcorp
Classification: Uncertain significance. Last evaluated: 2024-01-24. Review status: criteria provided, single submitter. Criteria: Invitae Variant Classification Sherloc (09022015). Collection method: clinical testing. Allele origin: germline.
Comment: This sequence change replaces glutamic acid, which is acidic and polar, with lysine, which is basic and polar, at codon 4143 of the HSPG2 protein (p.Glu4143Lys). This variant is present in population databases (rs747563153, gnomAD 0.006%). This variant has not been reported in the literature in individuals affected with HSPG2-related conditions. ClinVar contains an entry for this variant (Variation ID: 931556). An algorithm developed to predict the effect of missense changes on protein structure and function (PolyPhen-2) suggests that this variant¬†is likely to be tolerated. In summary, the available evidence is currently insufficient to determine the role of this variant in disease. Therefore, it has been classified as a Variant of Uncertain Significance.

Centre for Mendelian Genomics, University Medical Centre Ljubljana
Classification: Uncertain significance for Lethal Kniest-like syndrome. Last evaluated: 2019-08-14. Review status: criteria provided, single submitter. Criteria: ACMG Guidelines, 2015. Collection method: clinical testing. Allele origin: unknown. Affected: yes.
Comment: This variant was classified as: Uncertain significance. The available evidence on this variant's pathogenicity is insufficient or conflicting. The following ACMG criteria were applied in classifying this variant: PM2.

NM_005529.7(HSPG2):c.12427G>A (p.Glu4143Lys)

Gene: HSPG2 (heparan sulfate proteoglycan 2; minus strand). Cytogenetic location: 1p36.12.
Variant type: single nucleotide variant.
Coding change: c.12427G>A on transcript NM_005529.7 (MANE Select); coding-DNA position 12427, G replaced by A.
Protein change: p.Glu4143Lys; replaces glutamic acid 4143 with lysine.
Molecular consequence: missense variant.
Genome position (GRCh38, 1-based): chr1:21,828,135, C>T on the plus strand (G>A on the coding strand, the complement: HSPG2 is on the minus strand). VCF-style: chr1-21828135-C-T. GRCh37 (hg19) VCF-style: chr1-22154628-C-T.
Other names: c.12430G>A, p.Glu4144Lys (NM_001291860.2); short protein forms E4144K, E4143K.
Identifiers: ClinVar variation 931556 (VCV000931556.9), dbSNP rs747563153, ClinGen allele CA669427.
Genomic context (GRCh38, chr1:21,828,135, plus strand): 5'-GGGTGCCCTGGCAGGTGCCCCCATGCAGACAGGGTTCACGGAGCTGGCAGGGGTTCTCCT[C>T]GTGCTCACACAGGTCTCCTGTGGGCCAGGGCAGAGGCGAGTGGGTGGGTGGGCATGGGCT-3'
Protein context (NP_005520.4, residues 4133-4153): DGFKGDLCEH[Glu4143Lys]ENPCQLREPC